The following is an entry in ClinVar:

NM_004006.3(DMD):c.6614+4G>A

Gene: DMD (dystrophin; minus strand). Cytogenetic location: Xp21.1.
Variant type: single nucleotide variant.
Coding change: c.6614+4G>A on transcript NM_004006.3 (MANE Select); 4 bases into the intron after coding-DNA position 6614, G replaced by A.
Molecular consequence: intron variant.
Genome position (GRCh38, 1-based): chrX:31,968,335, C>T on the plus strand (G>A on the coding strand, the complement: DMD is on the minus strand). VCF-style: chrX-31968335-C-T. GRCh37 (hg19) VCF-style: chrX-31986452-C-T.
Other names: c.6590+4G>A (NM_000109.4); c.2591+4G>A (NM_004011.4); c.2582+4G>A (NM_004012.4); c.-767+4G>A (NM_004023.3, NM_004020.4, NM_004022.3 and 2 more transcripts); c.6602+4G>A (NM_004009.3); c.6245+4G>A (NM_004010.3).
Identifiers: ClinVar variation 1461798 (VCV001461798.8), dbSNP rs1475894426, ClinGen allele CA641365362.

ClinVar aggregate classification (germline): Uncertain significance. Review status: criteria provided, multiple submitters, no conflicts (2 of 4 stars). 2 submissions from 2 submitters: Uncertain significance (2). Last evaluated 2023-12-06.

Conditions:
Duchenne muscular dystrophy (DMD). Also called: Duchenne Muscular Dystrophy (DMD); MUSCULAR DYSTROPHY, PSEUDOHYPERTROPHIC PROGRESSIVE, DUCHENNE TYPE. Identifiers: Orphanet 98896, MedGen C0013264, MONDO:0010679, OMIM 310200.
Cardiovascular phenotype. Identifiers: MedGen CN230736.

Allele frequency attached by ClinVar (database versions not stated): gnomAD exomes below 0.00001 and 0.00001.
gnomAD v4.1: 1 of 1,209,973 alleles (0.000083%); highest among the groups gnomAD compares: Admixed American, 0.0022%; no homozygotes.

Submissions (2):

Labcorp Genetics (formerly Invitae), Labcorp
Classification: Uncertain significance for Duchenne muscular dystrophy. Last evaluated: 2023-12-06. Review status: criteria provided, single submitter. Criteria: Invitae Variant Classification Sherloc (09022015). Collection method: clinical testing. Allele origin: germline.
Comment: This sequence change falls in intron 45 of the DMD gene. It does not directly change the encoded amino acid sequence of the DMD protein. It affects a nucleotide within the consensus splice site. The frequency data for this variant in the population databases is considered unreliable, as metrics indicate poor data quality at this position in the gnomAD database. This variant has not been reported in the literature in individuals affected with DMD-related conditions. ClinVar contains an entry for this variant (Variation ID: 1461798). Variants that disrupt the consensus splice site are a relatively common cause of aberrant splicing (PMID: 17576681, 9536098). Algorithms developed to predict the effect of sequence changes on RNA splicing suggest that this variant is not likely to affect RNA splicing. In summary, the available evidence is currently insufficient to determine the role of this variant in disease. Therefore, it has been classified as a Variant of Uncertain Significance.

Ambry Genetics
Classification: Uncertain significance for Cardiovascular phenotype. Last evaluated: 2021-09-27. Review status: criteria provided, single submitter. Criteria: Ambry Variant Classification Scheme 2023. Collection method: clinical testing. Allele origin: germline.
Comment: The c.6614+4G>A intronic variant results from a G to A substitution 4 nucleotides after coding exon 45 in the DMD gene. This nucleotide position is not well conserved in available vertebrate species. Based on data from gnomAD, the A allele has an overall frequency of <0.01% (1/182774) total alleles studied, with 1 hemizygote observed. The highest observed frequency was <0.01% (1/27341) of Latino/Admixed American alleles. In silico splice site analysis predicts that this alteration will not have any significant effect on splicing. Since supporting evidence is limited at this time, the clinical significance of this alteration remains unclear.

Literature cited by the submitters: PubMed 17576681 (cited by Labcorp Genetics (formerly Invitae), Labcorp); PubMed 9536098 (cited by Labcorp Genetics (formerly Invitae), Labcorp).